The following is an entry in ClinVar:

NM_015570.4(AUTS2):c.2066G>A (p.Arg689His)

Gene: AUTS2 (activator of transcription and developmental regulator AUTS2; plus strand). Cytogenetic location: 7q11.22.
Variant type: single nucleotide variant.
Coding change: c.2066G>A on transcript NM_015570.4 (MANE Select); coding-DNA position 2066, G replaced by A.
Protein change: p.Arg689His; replaces arginine 689 with histidine.
Molecular consequence: missense variant.
Genome position (GRCh38, 1-based): chr7:70,781,676, G>A. VCF-style: chr7-70781676-G-A. GRCh37 (hg19) VCF-style: chr7-70246662-G-A.
Other names: c.1994G>A, p.Arg665His (NM_001127231.3); c.2066G>A (NM_015570.2); short protein forms R665H, R689H.
Identifiers: ClinVar variation 975658 (VCV000975658.7), dbSNP rs769690050, ClinGen allele CA4280902.

ClinVar aggregate classification (germline): Conflicting classifications of pathogenicity. Review status: criteria provided, conflicting classifications (1 of 4 stars). 4 submissions from 4 submitters: Uncertain significance (1); Benign (1); Likely benign (1). 1 of the submissions does not count toward it. Last evaluated 2026-03-02.

Conditions:
Inborn genetic diseases. Identifiers: MedGen C0950123, MeSH D030342.
Intellectual disability. Also called: intellectual disabilities; Intellectual developmental disorder; Intellectual functioning disability. Identifiers: MedGen C3714756, MeSH D008607, MONDO:0001071, HP:0001249.

Allele frequency attached by ClinVar (database versions not stated): gnomAD exomes 0.00002 and 0.00005; ExAC 0.00006; gnomAD 0.00003; TOPMed 0.00002.
gnomAD v4.1: 36 of 1,614,016 alleles (0.0022%); highest among the groups gnomAD compares: Middle Eastern, 0.016%; no homozygotes.

Submissions (4):

Women's Health and Genetics/Laboratory Corporation of America, LabCorp
Classification: Uncertain significance. Last evaluated: 2026-03-02. Review status: criteria provided, single submitter. Criteria: LabCorp Variant Classification Summary - May 2015. Collection method: clinical testing. Allele origin: germline.
Comment: Variant summary: AUTS2 c.2066G>A (p.Arg689His) results in a non-conservative amino acid change in the encoded protein sequence. Algorithms developed to predict the effect of missense changes on protein structure and function are either unavailable or do not agree on the potential impact of this missense change. The variant allele was found at a frequency of 4.8e-05 in 251450 control chromosomes. This frequency is not significantly higher than estimated for disease-causing variants in AUTS2, allowing no conclusion about variant significance. To our knowledge, no occurrence of c.2066G>A in individuals affected with AUTS2-related conditions and no experimental evidence demonstrating its impact on protein function have been reported. ClinVar contains an entry for this variant (Variation ID: 975658). Based on the evidence outlined above, the variant was classified as uncertain significance.

Labcorp Genetics (formerly Invitae), Labcorp
Classification: Benign. Last evaluated: 2023-12-11. Review status: criteria provided, single submitter. Criteria: Invitae Variant Classification Sherloc (09022015). Collection method: clinical testing. Allele origin: germline.

Ambry Genetics
Classification: Likely benign for Inborn genetic diseases. Last evaluated: 2023-04-19. Review status: criteria provided, single submitter. Criteria: Ambry Variant Classification Scheme 2023. Collection method: clinical testing. Allele origin: germline.

Centre de Biologie Pathologie Génétique, Centre Hospitalier Universitaire de Lille
Classification: Likely benign for Intellectual disability. Last evaluated: 2019-01-01. Review status: no assertion criteria provided. Collection method: clinical testing. Allele origin: inherited. Affected: yes. Not counted in ClinVar's aggregate classification.